The following is an entry in ClinVar:

NM_000890.5(KCNJ5):c.688G>A (p.Val230Met)

Gene: KCNJ5 (potassium inwardly rectifying channel subfamily J member 5; plus strand). Cytogenetic location: 11q24.3.
Variant type: single nucleotide variant.
Coding change: c.688G>A on transcript NM_000890.5 (MANE Select); coding-DNA position 688, G replaced by A.
Protein change: p.Val230Met; replaces valine 230 with methionine.
Molecular consequence: missense variant.
Genome position (GRCh38, 1-based): chr11:128,911,961, G>A. VCF-style: chr11-128911961-G-A. GRCh37 (hg19) VCF-style: chr11-128781856-G-A.
Other names: c.688G>A, p.Val230Met (NM_001354169.2); short protein forms V230M.
Identifiers: ClinVar variation 3613685 (VCV003613685.2).

ClinVar aggregate classification (germline): Uncertain significance (1 of 4 stars; one submission).

Conditions:
Long QT syndrome (LQTS). Identifiers: MedGen C0023976, MeSH D008133, MONDO:0002442. Disease mechanism: loss of function. Inheritance: Various modes of inheritance.

gnomAD v4.1: 2 of 1,600,310 alleles (0.00012%); highest among the groups gnomAD compares: Non-Finnish European, 0.00017%; no homozygotes.

Submission:

Labcorp Genetics (formerly Invitae), Labcorp
Classification: Uncertain significance for Long QT syndrome. Last evaluated: 2025-12-20. Review status: criteria provided, single submitter. Criteria: Invitae Variant Classification Sherloc (09022015). Collection method: clinical testing. Allele origin: germline.
Comment: This sequence change replaces valine, which is neutral and non-polar, with methionine, which is neutral and non-polar, at codon 230 of the KCNJ5 protein (p.Val230Met). This variant is not present in population databases (gnomAD no frequency). This missense change has been observed in individual(s) with long QT syndrome (PMID: 31737537). ClinVar contains an entry for this variant (Variation ID: 3613685). Invitae Evidence Modeling of protein sequence and biophysical properties (such as structural, functional, and spatial information, amino acid conservation, physicochemical variation, residue mobility, and thermodynamic stability) indicates that this missense variant is expected to disrupt KCNJ5 protein function with a positive predictive value of 80%. In summary, the available evidence is currently insufficient to determine the role of this variant in disease. Therefore, it has been classified as a Variant of Uncertain Significance.

Literature cited by the submitters: PubMed 31737537.